The following is an entry in ClinVar:

ClinVar aggregate classification (germline): Uncertain significance (1 of 4 stars; one submission).

Conditions:
Inborn genetic diseases. Identifiers: MedGen C0950123, MeSH D030342.

Submission:

Ambry Genetics
Classification: Uncertain significance for Inborn genetic diseases. Last evaluated: 2025-08-20. Review status: criteria provided, single submitter. Criteria: Ambry Variant Classification Scheme 2023. Collection method: clinical testing. Allele origin: germline.
Comment: The p.Y433C variant (also known as c.1298A>G), located in coding exon 12 of the ANKRD26 gene, results from an A to G substitution at nucleotide position 1298. The tyrosine at codon 433 is replaced by cysteine, an amino acid with highly dissimilar properties. This amino acid position is conserved. In addition, this alteration is predicted to be tolerated by in silico analysis. Based on the available evidence, the clinical significance of this variant remains unclear.

NM_014915.3(ANKRD26):c.1298A>G (p.Tyr433Cys)

Gene: ANKRD26 (ankyrin repeat domain containing 26; minus strand). Cytogenetic location: 10p12.1.
Variant type: single nucleotide variant.
Coding change: c.1298A>G on transcript NM_014915.3 (MANE Select); coding-DNA position 1298, A replaced by G.
Protein change: p.Tyr433Cys; replaces tyrosine 433 with cysteine.
Molecular consequence: missense variant.
Genome position (GRCh38, 1-based): chr10:27,064,053, T>C on the plus strand (A>G on the coding strand, the complement: ANKRD26 is on the minus strand). VCF-style: chr10-27064053-T-C. GRCh37 (hg19) VCF-style: chr10-27352982-T-C.
Other names: c.1298A>G, p.Tyr433Cys (NM_001256053.2); short protein forms Y433C.
Identifiers: ClinVar variation 4104336 (VCV004104336.1).
Genomic context (GRCh38, chr10:27,064,053, plus strand): 5'-GCTTGTTCATTTCCTATATTTTTTTCTTTTCCGTCTGCAGCCCCAGCTAAAGGATCAACA[T>C]ACTTCTGTGGAAAATTCTCAGAGATACTCTGTTAAAATTAGTATCAATAATGAGTTTCAA-3'
Protein context (NP_055730.2, residues 423-443): ESISENFPQK[Tyr433Cys]VDPLAGAADG